The following is an entry in ClinVar:

ClinVar aggregate classification (germline): Uncertain significance (1 of 4 stars; one submission).

Submission:

Labcorp Genetics (formerly Invitae), Labcorp
Classification: Uncertain significance. Last evaluated: 2024-06-24. Review status: criteria provided, single submitter. Criteria: Invitae Variant Classification Sherloc (09022015). Collection method: clinical testing. Allele origin: germline.
Comment: This sequence change replaces lysine, which is basic and polar, with asparagine, which is neutral and polar, at codon 511 of the GUCY2C protein (p.Lys511Asn). This variant also falls at the last nucleotide of exon 13, which is part of the consensus splice site for this exon. This variant is not present in population databases (gnomAD no frequency). This variant has not been reported in the literature in individuals affected with GUCY2C-related conditions. An algorithm developed to predict the effect of missense changes on protein structure and function (PolyPhen-2) suggests that this variant is likely to be disruptive. Variants that disrupt the consensus splice site are a relatively common cause of aberrant splicing (PMID: 17576681, 9536098). Algorithms developed to predict the effect of sequence changes on RNA splicing suggest that this variant may disrupt the consensus splice site. In summary, the available evidence is currently insufficient to determine the role of this variant in disease. Therefore, it has been classified as a Variant of Uncertain Significance.

Literature cited by the submitters: PubMed 17576681; PubMed 9536098.

NM_004963.4(GUCY2C):c.1533G>C (p.Lys511Asn)

Gene: GUCY2C (guanylate cyclase 2C; minus strand). Cytogenetic location: 12p12.3.
Variant type: single nucleotide variant.
Coding change: c.1533G>C on transcript NM_004963.4 (MANE Select); coding-DNA position 1533, G replaced by C.
Protein change: p.Lys511Asn; replaces lysine 511 with asparagine.
Molecular consequence: missense variant.
Genome position (GRCh38, 1-based): chr12:14,652,952, C>G on the plus strand (G>C on the coding strand, the complement: GUCY2C is on the minus strand). VCF-style: chr12-14652952-C-G. GRCh37 (hg19) VCF-style: chr12-14805886-C-G.
Other names: short protein forms K511N.
Identifiers: ClinVar variation 3657528 (VCV003657528.2).
Genomic context (GRCh38, chr12:14,652,952, plus strand): 5'-AGGGGTCAAAAGGCCCAGAGCATACCCCAGTGGAGAGTTCAGAGAAGTGGGAGAGGTCAC[C>G]TTTTTGTCGTATTTGCACTGTCGTAGTCTCTGGATTGTATCTCGTCTTTTGTCATCATCG-3'
Protein context (NP_004954.2, residues 501-521): QRLRQCKYDK[Lys511Asn]RVILKDLKHN